The following is an entry in ClinVar:

ClinVar aggregate classification (germline): Uncertain significance. Review status: criteria provided, multiple submitters, no conflicts (2 of 4 stars). 3 submissions from 3 submitters: Uncertain significance (3). Last evaluated 2021-11-07.

Conditions:
Hereditary cancer-predisposing syndrome. Also called: Hereditary neoplastic syndrome; Neoplastic Syndromes, Hereditary; Tumor predisposition; Hereditary Cancer Syndrome. Identifiers: Orphanet 140162, MedGen C0027672, MeSH D009386, MONDO:0015356.
Microcephaly, normal intelligence and immunodeficiency (NBS). Also called: IMMUNODEFICIENCY, MICROCEPHALY, AND CHROMOSOMAL INSTABILITY; SEEMANOVA SYNDROME II; Nijmegen breakage syndrome; Microcephaly with normal intelligence immunodeficiency and lymphoreticular malignancies; Nonsyndromal microcephaly autosomal recessive with normal intelligence; Seemanova syndrome 2. Identifiers: Orphanet 647, MedGen C0398791, MONDO:0009623, OMIM 251260.

Allele frequency attached by ClinVar (database versions not stated): gnomAD below 0.00001 and 0.00001; gnomAD exomes below 0.00001.
gnomAD v4.1: 2 of 1,603,720 alleles (0.00012%); highest among the groups gnomAD compares: South Asian, 0.0022%; no homozygotes.

Submissions (3):

Genome-Nilou Lab
Classification: Uncertain significance for Microcephaly, normal intelligence and immunodeficiency. Last evaluated: 2021-11-07. Review status: criteria provided, single submitter. Criteria: ACMG Guidelines, 2015. Collection method: clinical testing. Allele origin: germline. Affected: no.

Labcorp Genetics (formerly Invitae), Labcorp
Classification: Uncertain significance for Microcephaly, normal intelligence and immunodeficiency. Last evaluated: 2021-09-01. Review status: criteria provided, single submitter. Criteria: Invitae Variant Classification Sherloc (09022015). Collection method: clinical testing. Allele origin: germline.
Comment: This sequence change replaces glycine with glutamic acid at codon 695 of the NBN protein (p.Gly695Glu). The glycine residue is moderately conserved and there is a moderate physicochemical difference between glycine and glutamic acid. This variant is not present in population databases (ExAC no frequency). This variant has not been reported in the literature in individuals affected with NBN-related conditions. ClinVar contains an entry for this variant (Variation ID: 480027). Algorithms developed to predict the effect of missense changes on protein structure and function are either unavailable or do not agree on the potential impact of this missense change (SIFT: "Tolerated"; PolyPhen-2: "Probably Damaging"; Align-GVGD: "Class C0"). In summary, the available evidence is currently insufficient to determine the role of this variant in disease. Therefore, it has been classified as a Variant of Uncertain Significance.

Ambry Genetics
Classification: Uncertain significance for Hereditary cancer-predisposing syndrome. Last evaluated: 2020-11-04. Review status: criteria provided, single submitter. Criteria: Ambry Variant Classification Scheme 2023. Collection method: clinical testing. Allele origin: germline.
Comment: The p.G695E variant (also known as c.2084G>A), located in coding exon 14 of the NBN gene, results from a G to A substitution at nucleotide position 2084. The glycine at codon 695 is replaced by glutamic acid, an amino acid with similar properties. This amino acid position is highly conserved in available vertebrate species. In addition, this alteration is predicted to be deleterious by in silico analysis. Since supporting evidence is limited at this time, the clinical significance of this alteration remains unclear.

NM_002485.5(NBN):c.2084G>A (p.Gly695Glu)

Gene: NBN (nibrin; minus strand). Cytogenetic location: 8q21.3.
Variant type: single nucleotide variant.
Coding change: c.2084G>A on transcript NM_002485.5 (MANE Select); coding-DNA position 2084, G replaced by A.
Protein change: p.Gly695Glu; replaces glycine 695 with glutamic acid.
Molecular consequence: missense variant.
Genome position (GRCh38, 1-based): chr8:89,943,353, C>T on the plus strand (G>A on the coding strand, the complement: NBN is on the minus strand). VCF-style: chr8-89943353-C-T. GRCh37 (hg19) VCF-style: chr8-90955581-C-T.
Other names: c.1838G>A, p.Gly613Glu (NM_001024688.3); short protein forms G695E, G613E.
Identifiers: ClinVar variation 480027 (VCV000480027.13), dbSNP rs1554555834, ClinGen allele CA371675849.